The following is an entry in ClinVar:

ClinVar aggregate classification (germline): Conflicting classifications of pathogenicity. Review status: criteria provided, conflicting classifications (1 of 4 stars). 3 submissions from 3 submitters: Uncertain significance (2); Likely benign (1). Last evaluated 2026-05-18.

Conditions:
Hereditary cancer-predisposing syndrome. Also called: Neoplastic Syndromes, Hereditary; Tumor predisposition; Hereditary Cancer Syndrome; Hereditary neoplastic syndrome. Identifiers: Orphanet 140162, MedGen C0027672, MeSH D009386, MONDO:0015356.
Retinoblastoma (RB1). Also called: RETINOBLASTOMA, SOMATIC. Identifiers: Orphanet 790, MedGen C0035335, MeSH D012175, MONDO:0008380, OMIM 180200, HP:0009919. Disease mechanism: loss of function. Inheritance: Both sporadic and heritable forms are tested..

Allele frequency attached by ClinVar (database versions not stated): gnomAD exomes below 0.00001.
gnomAD v4.1: 5 of 1,592,684 alleles (0.00031%); highest among the groups gnomAD compares: Non-Finnish European, 0.00043%; no homozygotes.

Submissions (3):

Ambry Genetics
Classification: Likely benign for Hereditary cancer-predisposing syndrome. Last evaluated: 2026-05-18. Review status: criteria provided, single submitter. Criteria: Ambry Variant Classification Scheme 2023. Collection method: clinical testing. Allele origin: germline.

Labcorp Genetics (formerly Invitae), Labcorp
Classification: Uncertain significance for Retinoblastoma. Last evaluated: 2025-12-15. Review status: criteria provided, single submitter. Criteria: Invitae Variant Classification Sherloc (09022015). Collection method: clinical testing. Allele origin: germline.
Comment: This sequence change replaces glutamic acid, which is acidic and polar, with glycine, which is neutral and non-polar, at codon 170 of the RB1 protein (p.Glu170Gly). This variant is not present in population databases (gnomAD no frequency). This variant has not been reported in the literature in individuals affected with RB1-related conditions. ClinVar contains an entry for this variant (Variation ID: 1897910). Invitae Evidence Modeling of protein sequence and biophysical properties (such as structural, functional, and spatial information, amino acid conservation, physicochemical variation, residue mobility, and thermodynamic stability) indicates that this missense variant is not expected to disrupt RB1 protein function with a negative predictive value of 80%. In summary, the available evidence is currently insufficient to determine the role of this variant in disease. Therefore, it has been classified as a Variant of Uncertain Significance.

All of Us Research Program, National Institutes of Health
Classification: Uncertain significance for Retinoblastoma. Last evaluated: 2023-10-02. Review status: criteria provided, single submitter. Criteria: ACMG Guidelines, 2015. Collection method: clinical testing. Allele origin: germline. Inheritance: Autosomal dominant inheritance. Observed: 1 variant allele, 1 heterozygote.
Comment: This missense variant replaces glutamic acid with glycine at codon 170 of the RB1 protein. Computational prediction suggests that this variant may not impact protein structure and function (internally defined REVEL score threshold <= 0.5, PMID: 27666373). To our knowledge, functional studies have not been reported for this variant. This variant has not been reported in individuals affected with hereditary cancer in the literature. This variant has not been identified in the general population by the Genome Aggregation Database (gnomAD). The available evidence is insufficient to determine the role of this variant in disease conclusively. Therefore, this variant is classified as a Variant of Uncertain Significance.

This study involves interpretation of variants in research participants for the purpose of population health screening. Participant phenotype was not available at the time of variant classification. Additional details can be found in publication PMID: 35346344, PMCID: PMC8962531

NM_000321.3(RB1):c.509A>G (p.Glu170Gly)

Gene: RB1 (RB transcriptional corepressor 1; plus strand). Cytogenetic location: 13q14.2.
Variant type: single nucleotide variant.
Coding change: c.509A>G on transcript NM_000321.3 (MANE Select); coding-DNA position 509, A replaced by G.
Protein change: p.Glu170Gly; replaces glutamic acid 170 with glycine.
Molecular consequence: missense variant.
Genome position (GRCh38, 1-based): chr13:48,347,833, A>G. VCF-style: chr13-48347833-A-G. GRCh37 (hg19) VCF-style: chr13-48921969-A-G.
Other names: c.509A>G, p.Glu170Gly (NM_001407165.1, NM_001407166.1); short protein forms E170G.
Identifiers: ClinVar variation 1897910 (VCV001897910.8), dbSNP rs2542163619, ClinGen allele CA388156794.
Genomic context (GRCh38, chr13:48,347,833, plus strand): 5'-GACTTCTAAATTACGAAAAAATGTTAAAAAGTCATAATGTTTTTCTTTTCAGGACATGTG[A>G]ACTTATATATTTGACACAACCCAGCAGTTCGTAAGTAGTTCACAGAATGTTATTTTTCAC-3'
Protein context (NP_000312.2, residues 160-180): ALFSKLERTC[Glu170Gly]LIYLTQPSSS